The following is an entry in ClinVar:

ClinVar aggregate classification (germline): Uncertain significance. Review status: criteria provided, multiple submitters, no conflicts (2 of 4 stars). 3 submissions from 3 submitters: Uncertain significance (3). Last evaluated 2025-08-01.

Conditions:
Age related macular degeneration 1 (ARMD1). Also called: MACULOPATHY, AGE-RELATED, 1. Identifiers: MedGen C1864205, MONDO:0011285, OMIM 603075.

Allele frequency attached by ClinVar (database versions not stated): gnomAD 0.00004; TOPMed 0.00005; ExAC 0.00006; ESP Exome Variant Server 0.00015.
gnomAD v4.1: 55 of 1,613,918 alleles (0.0034%); highest among the groups gnomAD compares: Middle Eastern, 0.016%; no homozygotes.

Submissions (3):

Ambry Genetics
Classification: Uncertain significance. Last evaluated: 2025-08-01. Review status: criteria provided, single submitter. Criteria: Ambry Variant Classification Scheme 2023. Collection method: clinical testing. Allele origin: germline.

Genome-Nilou Lab
Classification: Uncertain significance for Age related macular degeneration 1. Last evaluated: 2023-04-11. Review status: criteria provided, single submitter. Criteria: ACMG Guidelines, 2015. Collection method: clinical testing. Allele origin: germline. Affected: no.

Labcorp Genetics (formerly Invitae), Labcorp
Classification: Uncertain significance. Last evaluated: 2022-11-17. Review status: criteria provided, single submitter. Criteria: Invitae Variant Classification Sherloc (09022015). Collection method: clinical testing. Allele origin: germline.
Comment: This sequence change replaces methionine, which is neutral and non-polar, with threonine, which is neutral and polar, at codon 5314 of the HMCN1 protein (p.Met5314Thr). In summary, the available evidence is currently insufficient to determine the role of this variant in disease. Therefore, it has been classified as a Variant of Uncertain Significance. Algorithms developed to predict the effect of missense changes on protein structure and function (SIFT, PolyPhen-2, Align-GVGD) all suggest that this variant is likely to be tolerated. This variant has not been reported in the literature in individuals affected with HMCN1-related conditions. This variant is present in population databases (rs145955604, gnomAD 0.006%).

NM_031935.3(HMCN1):c.15941T>C (p.Met5314Thr)

Gene: HMCN1 (hemicentin 1; plus strand). Cytogenetic location: 1q31.1.
Variant type: single nucleotide variant.
Coding change: c.15941T>C on transcript NM_031935.3 (MANE Select); coding-DNA position 15941, T replaced by C.
Protein change: p.Met5314Thr; replaces methionine 5314 with threonine.
Molecular consequence: missense variant.
Genome position (GRCh38, 1-based): chr1:186,174,640, T>C. VCF-style: chr1-186174640-T-C. GRCh37 (hg19) VCF-style: chr1-186143772-T-C.
Other names: short protein forms M5314T.
Identifiers: ClinVar variation 1986681 (VCV001986681.7), dbSNP rs145955604, ClinGen allele CA1295424.
Genomic context (GRCh38, chr1:186,174,640, plus strand): 5'-GCAGCTATCGTTGTGTATGCCCAAGAGGTTATCGGTCTCAAGGAGTTGGAAGACCCTGCA[T>C]GGGTAAGTTAATAGGAACTTGTTGAGCAATAAAGCTACTGATGTAGTTACCTAGCCTTAC-3'
Protein context (NP_114141.2, residues 5304-5324): YRSQGVGRPC[Met5314Thr]DINECEQVPK